The following is an entry in ClinVar:

ClinVar aggregate classification (germline): Pathogenic (1 of 4 stars; one submission).

Conditions:
Juvenile polyposis syndrome (JPS). Identifiers: Orphanet 2929, MedGen C0345893, MONDO:0017380, OMIM 174900.

Submission:

Labcorp Genetics (formerly Invitae), Labcorp
Classification: Pathogenic for Juvenile polyposis syndrome. Last evaluated: 2021-05-19. Review status: criteria provided, single submitter. Criteria: Invitae Variant Classification Sherloc (09022015). Collection method: clinical testing. Allele origin: germline.
Comment: For these reasons, this variant has been classified as Pathogenic. This variant has not been reported in the literature in individuals with SMAD4-related conditions. This variant is not present in population databases (ExAC no frequency). This sequence change creates a premature translational stop signal (p.Leu238*) in the SMAD4 gene. It is expected to result in an absent or disrupted protein product. Loss-of-function variants in SMAD4 are known to be pathogenic (PMID: 16152648, 16436638, 22810475).

Literature cited by the submitters: PubMed 16152648; PubMed 16436638; PubMed 22810475.

NM_005359.6(SMAD4):c.713_719del (p.Leu237_Leu238insTer)

Gene: SMAD4 (SMAD family member 4; plus strand). Cytogenetic location: 18q21.2.
Variant type: Deletion.
Coding change: c.713_719del on transcript NM_005359.6 (MANE Select); coding-DNA positions 713 to 719, 7 bases deleted (TGCAGAT; older notation c.713_719delTGCAGAT).
Protein change: p.Leu237_Leu238insTer.
Molecular consequence: nonsense.
Genome position (GRCh38, 1-based): chr18:51,058,170-51,058,176, TGCAGAT deleted; deleting any 7 consecutive bases within chr18:51,058,169-51,058,176 gives the same sequence; the c. name uses the placement nearest the transcript's 3' end. VCF-style (leftmost placement, unchanged base first): chr18-51058168-GTTGCAGA-G. GRCh37 (hg19) VCF-style: chr18-48584538-GTTGCAGA-G.
Identifiers: ClinVar variation 1380059 (VCV001380059.6), dbSNP rs2144427004, ClinGen allele CA2573155413.
Genomic context (GRCh38, chr18:51,058,168, plus strand): 5'-TCTTCTTGTTCCTCTAGGTCAGCCTGCCAGTATACTGGGGGGCAGCCATAGTGAAGGACT[GTTGCAGA>G]TAGCATCAGGGCCTCAGCCAGGACAGCAGCAGAATGGATTTACTGGTCAGCCAGCTACTT-3'